The following is an entry in ClinVar:

ClinVar aggregate classification (germline): Uncertain significance (1 of 4 stars; one submission).

Allele frequency attached by ClinVar (database versions not stated): gnomAD 0.00001.
gnomAD v4.1: 1 of 1,610,754 alleles (0.000062%); highest among the groups gnomAD compares: Non-Finnish European, 0.000085%; no homozygotes.

Submission:

GeneDx
Classification: Uncertain significance. Last evaluated: 2020-09-01. Review status: criteria provided, single submitter. Criteria: GeneDx Variant Classification Process June 2021. Collection method: clinical testing. Allele origin: germline. Affected: yes.
Comment: Nonsense variant predicted to result in protein truncation or nonsense mediated decay in a gene for which loss-of-function is a known mechanism of disease; Identified in a patient with autism in published literature, but familial segregation data and further clinical information were not provided (Kosmicki et al., 2017); This variant is associated with the following publications: (PMID: 28191890)

NM_014991.6(WDFY3):c.8929C>T (p.Arg2977Ter)

Gene: WDFY3 (WD repeat and FYVE domain containing 3; minus strand). Cytogenetic location: 4q21.23.
Variant type: single nucleotide variant.
Coding change: c.8929C>T on transcript NM_014991.6 (MANE Select); coding-DNA position 8929, C replaced by T.
Protein change: p.Arg2977Ter; replaces arginine 2977 with a stop codon.
Molecular consequence: nonsense.
Genome position (GRCh38, 1-based): chr4:84,693,005, G>A on the plus strand (C>T on the coding strand, the complement: WDFY3 is on the minus strand). VCF-style: chr4-84693005-G-A. GRCh37 (hg19) VCF-style: chr4-85614158-G-A.
Other names: short protein forms R2977*.
Identifiers: ClinVar variation 1308521 (VCV001308521.2), dbSNP rs1406414804, ClinGen allele CA357538302.
Genomic context (GRCh38, chr4:84,693,005, plus strand): 5'-TTGTAGATCCTGGTAGGACAGAGATTCCTGCATTGTCTCCATTGAGTCGACTTCTCACTC[G>A]CTTTGGTGGATGAGGTTTTTTAAATAACTGGTATGAAAGAAGATGACTCACTTTATAATG-3'